The following is an entry in ClinVar:

ClinVar aggregate classification (germline): Uncertain significance (1 of 4 stars; one submission).

Conditions:
Ataxia-telangiectasia syndrome (AT). Also called: Ataxia telangiectasia (A-T); Cerebello-oculocutaneous telangiectasia; Immunodeficiency with ataxia telangiectasia; AT, COMPLEMENTATION GROUP C; ATAXIA-TELANGIECTASIA, COMPLEMENTATION GROUP A; ATAXIA-TELANGIECTASIA, FRESNO VARIANT. Identifiers: Orphanet 100, MedGen C0004135, MONDO:0008840, OMIM 208900.

Submission:

Labcorp Genetics (formerly Invitae), Labcorp
Classification: Uncertain significance for Ataxia-telangiectasia syndrome. Last evaluated: 2019-01-24. Review status: criteria provided, single submitter. Criteria: Invitae Variant Classification Sherloc (09022015). Collection method: clinical testing. Allele origin: germline.
Comment: In summary, the available evidence is currently insufficient to determine the role of this variant in disease. Therefore, it has been classified as a Variant of Uncertain Significance. Algorithms developed to predict the effect of missense changes on protein structure and function (SIFT, PolyPhen-2, Align-GVGD) all suggest that this variant is likely to be disruptive, but these predictions have not been confirmed by published functional studies and their clinical significance is uncertain. This variant has not been reported in the literature in individuals with ATM-related conditions. This variant is not present in population databases (ExAC no frequency). This sequence change replaces aspartic acid with valine at codon 1053 of the ATM protein (p.Asp1053Val). The aspartic acid residue is highly conserved and there is a large physicochemical difference between aspartic acid and valine.

NM_000051.4(ATM):c.3158A>T (p.Asp1053Val)

Gene: ATM (ATM serine/threonine kinase; plus strand). Cytogenetic location: 11q22.3.
Variant type: single nucleotide variant.
Coding change: c.3158A>T on transcript NM_000051.4 (MANE Select); coding-DNA position 3158, A replaced by T.
Protein change: p.Asp1053Val; replaces aspartic acid 1053 with valine.
Molecular consequence: missense variant.
Genome position (GRCh38, 1-based): chr11:108,272,726, A>T. VCF-style: chr11-108272726-A-T. GRCh37 (hg19) VCF-style: chr11-108143453-A-T.
Other names: c.3158A>T, p.Asp1053Val (NM_001351834.2); short protein forms D1053V.
Identifiers: ClinVar variation 857425 (VCV000857425.9), dbSNP rs2081657910, ClinGen allele CA382515502.